The following is an entry in ClinVar:

NM_000274.4(OAT):c.1135G>A (p.Ala379Thr)

Gene: OAT (ornithine aminotransferase; minus strand). Cytogenetic location: 10q26.13.
Variant type: single nucleotide variant.
Coding change: c.1135G>A on transcript NM_000274.4 (MANE Select); coding-DNA position 1135, G replaced by A.
Protein change: p.Ala379Thr; replaces alanine 379 with threonine.
Molecular consequence: missense variant.
Genome position (GRCh38, 1-based): chr10:124,400,864, C>T on the plus strand (G>A on the coding strand, the complement: OAT is on the minus strand). VCF-style: chr10-124400864-C-T. GRCh37 (hg19) VCF-style: chr10-126089433-C-T.
Other names: c.1135G>A (NM_000274.3); c.721G>A, p.Ala241Thr (NM_001171814.2); c.1135G>A, p.Ala379Thr (NM_001322965.2, NM_001322966.2, NM_001322967.2 and 3 more transcripts); c.814G>A, p.Ala272Thr (NM_001322971.2); c.535G>A, p.Ala179Thr (NM_001322974.2); short protein forms A179T, A272T, A379T, A241T.
Identifiers: ClinVar variation 1405544 (VCV001405544.7), dbSNP rs1408984206, ClinGen allele CA378633550.
Genomic context (GRCh38, chr10:124,400,864, plus strand): 5'-AAAAAATTATCTTGAGTAAATGTTTTATCTCCATACCTTTGGTTTCTTTAATGACAATAG[C>T]GTTTAATAATCCTTTTCCTCTTACGGCAGTTACAACATCAGAAGGTAGCTTCATGAGTTC-3'
Protein context (NP_000265.1, residues 369-389): TAVRGKGLLN[Ala379Thr]IVIKETKDWD

ClinVar aggregate classification (germline): Uncertain significance. Review status: criteria provided, multiple submitters, no conflicts (2 of 4 stars). 3 submissions from 3 submitters: Uncertain significance (3). Last evaluated 2026-04-16.

Conditions:
Inborn genetic diseases. Identifiers: MedGen C0950123, MeSH D030342.
OAT-related disorder. Also called: OAT-related condition.
Ornithine aminotransferase deficiency (GACR). Also called: Ornithine ketoacid aminotransferase deficiency; Gyrate atrophy; Gyrate atrophy of choroid and retina; Girate atrophy of the retina; HYPERORNITHINEMIA WITH GYRATE ATROPHY OF CHOROID AND RETINA; OAT DEFICIENCY. Identifiers: Orphanet 414, MedGen C0018425, MONDO:0009796, OMIM 258870.

Allele frequency attached by ClinVar (database versions not stated): gnomAD exomes below 0.00001; gnomAD 0.00001; TOPMed 0.00001.
gnomAD v4.1: 15 of 1,604,692 alleles (0.00093%); highest among the groups gnomAD compares: African/African-American, 0.0027%; no homozygotes.

Submissions (3):

PreventionGenetics, part of Exact Sciences
Classification: Uncertain significance for OAT-related condition. Last evaluated: 2026-04-16. Review status: criteria provided, single submitter. Criteria: ACMG Guidelines, 2015. Collection method: clinical testing. Allele origin: germline.
Comment: The OAT c.1135G>A variant is predicted to result in the amino acid substitution p.Ala379Thr. To our knowledge, this variant has not been reported in the literature. This variant is reported in 0.0080% of alleles in individuals of African descent in gnomAD. At this time, the clinical significance of this variant is uncertain due to the absence of conclusive functional and genetic evidence.

Ambry Genetics
Classification: Uncertain significance for Inborn genetic diseases. Last evaluated: 2025-06-24. Review status: criteria provided, single submitter. Criteria: Ambry Variant Classification Scheme 2023. Collection method: clinical testing. Allele origin: germline.

Labcorp Genetics (formerly Invitae), Labcorp
Classification: Uncertain significance for Ornithine aminotransferase deficiency. Last evaluated: 2021-09-24. Review status: criteria provided, single submitter. Criteria: Invitae Variant Classification Sherloc (09022015). Collection method: clinical testing. Allele origin: germline.
Comment: This sequence change replaces alanine with threonine at codon 379 of the OAT protein (p.Ala379Thr). The alanine residue is highly conserved and there is a small physicochemical difference between alanine and threonine. This variant is not present in population databases (ExAC no frequency). This variant has not been reported in the literature in individuals with OAT-related conditions. Algorithms developed to predict the effect of missense changes on protein structure and function are either unavailable or do not agree on the potential impact of this missense change (SIFT: "Deleterious"; PolyPhen-2: "Probably Damaging"; Align-GVGD: "Class C0"). In summary, the available evidence is currently insufficient to determine the role of this variant in disease. Therefore, it has been classified as a Variant of Uncertain Significance.